The following is an entry in ClinVar:

NM_001127222.2(CACNA1A):c.6584G>T (p.Arg2195Leu)

Gene: CACNA1A (calcium voltage-gated channel subunit alpha1 A; minus strand). Cytogenetic location: 19p13.13.
Variant type: single nucleotide variant.
Coding change: c.6584G>T on transcript NM_001127222.2 (MANE Select); coding-DNA position 6584, G replaced by T.
Protein change: p.Arg2195Leu; replaces arginine 2195 with leucine.
Molecular consequence: missense variant.
Genome position (GRCh38, 1-based): chr19:13,208,952, C>A on the plus strand (G>T on the coding strand, the complement: CACNA1A is on the minus strand). VCF-style: chr19-13208952-C-A. GRCh37 (hg19) VCF-style: chr19-13319766-C-A.
Other names: c.6602G>T, p.Arg2201Leu (NM_000068.4, NM_023035.3); c.6587G>T, p.Arg2196Leu (NM_001127221.2); c.6593G>T, p.Arg2198Leu (NM_001174080.2); short protein forms R2195L, R2201L, R2196L, R2198L.
Identifiers: ClinVar variation 1368840 (VCV001368840.8), dbSNP rs373192655, ClinGen allele CA404330579.
Genomic context (GRCh38, chr19:13,208,952, plus strand): 5'-TGGTGGTGGTGGTGGTGCTGTCGATGCTTCCGATCCTTGGGCCGGCCCCGCTCCTGGTCC[C>A]GCTCCTTCGACGGCAGGTCCCCGGATTGGGTGGTCATGCTCAGGTCTGTCCCCAAGCCTG-3'
Protein context (NP_001120694.1, residues 2185-2205): TQSGDLPSKE[Arg2195Leu]DQERGRPKDR

ClinVar aggregate classification (germline): Uncertain significance (1 of 4 stars; one submission).

Conditions:
Episodic ataxia type 2 (EA2). Also called: ATAXIA, EPISODIC, WITH NYSTAGMUS; ATAXIA, FAMILIAL PAROXYSMAL; CEREBELLAR ATAXIA, PAROXYSMAL, ACETAZOLAMIDE-RESPONSIVE; CEREBELLOPATHY, HEREDITARY PAROXYSMAL; EPISODIC ATAXIA, NYSTAGMUS-ASSOCIATED; ACETAZOLAMIDE-RESPONSIVE HEREDITARY PAROXYSMAL CEREBELLAR ATAXIA. Identifiers: Orphanet 97, MedGen C1720416, MONDO:0007163, OMIM 108500.
Developmental and epileptic encephalopathy, 42 (DEE42A). Also called: DEVELOPMENTAL AND EPILEPTIC ENCEPHALOPATHY 42A; EPILEPTIC ENCEPHALOPATHY, EARLY INFANTILE, 42A; Epileptic encephalopathy, early infantile, 42. Identifiers: MedGen C4310716, MONDO:0014917, OMIM 617106.

Submission:

Labcorp Genetics (formerly Invitae), Labcorp
Classification: Uncertain significance for Developmental and epileptic encephalopathy, 42; Episodic ataxia type 2. Last evaluated: 2021-07-21. Review status: criteria provided, single submitter. Criteria: Invitae Variant Classification Sherloc (09022015). Collection method: clinical testing. Allele origin: germline.
Comment: This variant is not present in population databases (ExAC no frequency). In summary, the available evidence is currently insufficient to determine the role of this variant in disease. Therefore, it has been classified as a Variant of Uncertain Significance. Algorithms developed to predict the effect of missense changes on protein structure and function are either unavailable or do not agree on the potential impact of this missense change (SIFT: "Deleterious"; PolyPhen-2: "Possibly Damaging"; Align-GVGD: "Class C0"). This variant has not been reported in the literature in individuals affected with CACNA1A-related conditions. This sequence change replaces arginine with leucine at codon 2196 of the CACNA1A protein (p.Arg2196Leu). The arginine residue is highly conserved and there is a moderate physicochemical difference between arginine and leucine.